The following is an entry in ClinVar:

NM_017780.4(CHD7):c.4985del (p.Ser1662fs)

Gene: CHD7 (chromodomain helicase DNA binding protein 7; plus strand). Cytogenetic location: 8q12.2.
Variant type: Deletion.
Coding change: c.4985del on transcript NM_017780.4 (MANE Select); coding-DNA position 4985, one base deleted (G; older notation c.4985delG).
Protein change: p.Ser1662fs; shifts the reading frame from serine 1662.
Molecular consequence: frameshift variant. On other transcripts: intron variant (1).
Genome position (GRCh38, 1-based): chr8:60,844,998, G deleted. VCF-style (leftmost placement, unchanged base first): chr8-60844997-AG-A. GRCh37 (hg19) VCF-style: chr8-61757556-AG-A.
Other names: c.1717-17231del (NM_001316690.1); short protein forms S1662fs.
Identifiers: ClinVar variation 403702 (VCV000403702.3), dbSNP rs1060499937, ClinGen allele CA16609829.

ClinVar aggregate classification (germline): Likely pathogenic (0 of 4 stars; one submission).

Conditions:
CHARGE syndrome (CHARGE). Also called: CHARGE ASSOCIATION--COLOBOMA, HEART ANOMALY, CHOANAL ATRESIA, RETARDATION, GENITAL AND EAR ANOMALIES; Coloboma, heart anomaly, choanal atresia, retardation, genital and ear anomalies; CHARGE association; Hall-Hittner syndrome; Hittner Hirsch Kreh syndrome. Identifiers: Orphanet 138, MedGen C0265354, MONDO:0008965.

Submission:

Institute of Human Genetics, University of Goettingen
Classification: Likely pathogenic for CHD7-related CHARGE syndrome. Last evaluated: 2017-04-04. Review status: no assertion criteria provided. Collection method: clinical testing. Allele origin: germline. Affected: yes. Observed: 1 variant allele, 1 heterozygote.
Comment: CHARGE syndrome